The following is an entry in ClinVar:

NM_032119.4(ADGRV1):c.7742T>C (p.Val2581Ala)

Gene: ADGRV1 (adhesion G protein-coupled receptor V1; plus strand). Cytogenetic location: 5q14.3.
Variant type: single nucleotide variant.
Coding change: c.7742T>C on transcript NM_032119.4 (MANE Select); coding-DNA position 7742, T replaced by C.
Protein change: p.Val2581Ala; replaces valine 2581 with alanine.
Molecular consequence: missense variant. On other transcripts: non-coding transcript variant (1).
Genome position (GRCh38, 1-based): chr5:90,694,498, T>C. VCF-style: chr5-90694498-T-C. GRCh37 (hg19) VCF-style: chr5-89990315-T-C.
Other names: short protein forms V2581A.
Identifiers: ClinVar variation 856539 (VCV000856539.9), dbSNP rs1012723841, ClinGen allele CA122797400.
Genomic context (GRCh38, chr5:90,694,498, plus strand): 5'-GACAGCCAAATATTTCTACAGTTGTCATAGCACTAAATGGTGATGCCTTTGGAGTGTTTG[T>C]GATCTACAATATTAGTCCCAATACTTCCGAAGATGGCTTATTTGTTGAAGTTCAGGAGCA-3'
Protein context (NP_115495.3, residues 2571-2591): ALNGDAFGVF[Val2581Ala]IYNISPNTSE

ClinVar aggregate classification (germline): Uncertain significance (1 of 4 stars; one submission).

Allele frequency attached by ClinVar (database versions not stated): gnomAD 0.00001; TOPMed 0.00002.
gnomAD v4.1: 1 of 1,613,826 alleles (0.000062%); highest among the groups gnomAD compares: African/African-American, 0.0013%; no homozygotes.

Submission:

Labcorp Genetics (formerly Invitae), Labcorp
Classification: Uncertain significance. Last evaluated: 2020-10-09. Review status: criteria provided, single submitter. Criteria: Invitae Variant Classification Sherloc (09022015). Collection method: clinical testing. Allele origin: germline.
Comment: This variant has not been reported in the literature in individuals with ADGRV1-related conditions. This sequence change replaces valine with alanine at codon 2581 of the ADGRV1 protein (p.Val2581Ala). The valine residue is moderately conserved and there is a small physicochemical difference between valine and alanine. This variant is not present in population databases (ExAC no frequency). Algorithms developed to predict the effect of missense changes on protein structure and function are either unavailable or do not agree on the potential impact of this missense change (SIFT: "Tolerated"; PolyPhen-2: "Benign"; Align-GVGD: "Class C0"). In summary, the available evidence is currently insufficient to determine the role of this variant in disease. Therefore, it has been classified as a Variant of Uncertain Significance.